The following is an entry in ClinVar:

NM_016247.4(IMPG2):c.2678C>T (p.Thr893Ile)

Gene: IMPG2 (interphotoreceptor matrix proteoglycan 2; minus strand). Cytogenetic location: 3q12.3.
Variant type: single nucleotide variant.
Coding change: c.2678C>T on transcript NM_016247.4 (MANE Select); coding-DNA position 2678, C replaced by T.
Protein change: p.Thr893Ile; replaces threonine 893 with isoleucine.
Molecular consequence: missense variant.
Genome position (GRCh38, 1-based): chr3:101,243,653, G>A on the plus strand (C>T on the coding strand, the complement: IMPG2 is on the minus strand). VCF-style: chr3-101243653-G-A. GRCh37 (hg19) VCF-style: chr3-100962497-G-A.
Other names: c.2678C>T (NM_016247.3); short protein forms T893I.
Identifiers: ClinVar variation 1026052 (VCV001026052.8), dbSNP rs745542376, ClinGen allele CA2518931.
Genomic context (GRCh38, chr3:101,243,653, plus strand): 5'-GAAAACATCATGTTAGTCACTCGGAGGCTGAAGAAAACCACCAAAGCTCCTGAAGTCTGG[G>A]TATAACTCAAGTCATCTCCTCCTTCTGTGGGCCAAGCCACACTAACCATCTCTGTGGAGT-3'
Protein context (NP_057331.2, residues 883-903): PTEGGDDLSY[Thr893Ile]QTSGALVVFF

ClinVar aggregate classification (germline): Uncertain significance. Review status: criteria provided, multiple submitters, no conflicts (2 of 4 stars). 2 submissions from 2 submitters: Uncertain significance (2). Last evaluated 2024-08-01.

Conditions:
Inborn genetic diseases. Identifiers: MedGen C0950123, MeSH D030342.

Allele frequency attached by ClinVar (database versions not stated): ExAC 0.00001; gnomAD exomes 0.00001.
gnomAD v4.1: 14 of 1,613,948 alleles (0.00087%); highest among the groups gnomAD compares: African/African-American, 0.0013%; no homozygotes.

Submissions (2):

Ambry Genetics
Classification: Uncertain significance for Inborn genetic diseases. Last evaluated: 2024-08-01. Review status: criteria provided, single submitter. Criteria: Ambry Variant Classification Scheme 2023. Collection method: clinical testing. Allele origin: germline.

Labcorp Genetics (formerly Invitae), Labcorp
Classification: Uncertain significance. Last evaluated: 2022-04-13. Review status: criteria provided, single submitter. Criteria: Invitae Variant Classification Sherloc (09022015). Collection method: clinical testing. Allele origin: germline.
Comment: This sequence change replaces threonine, which is neutral and polar, with isoleucine, which is neutral and non-polar, at codon 893 of the IMPG2 protein (p.Thr893Ile). This variant is present in population databases (rs745542376, gnomAD 0.02%). This variant has not been reported in the literature in individuals affected with IMPG2-related conditions. ClinVar contains an entry for this variant (Variation ID: 1026052). Algorithms developed to predict the effect of missense changes on protein structure and function are either unavailable or do not agree on the potential impact of this missense change (SIFT: "Deleterious"; PolyPhen-2: "Benign"; Align-GVGD: "Class C15"). In summary, the available evidence is currently insufficient to determine the role of this variant in disease. Therefore, it has been classified as a Variant of Uncertain Significance.